The following is an entry in ClinVar:

ClinVar aggregate classification (germline): Pathogenic (1 of 4 stars; one submission).

Submission:

Labcorp Genetics (formerly Invitae), Labcorp
Classification: Pathogenic. Last evaluated: 2025-02-04. Review status: criteria provided, single submitter. Criteria: Invitae Variant Classification Sherloc (09022015). Collection method: clinical testing. Allele origin: germline.
Comment: This sequence change creates a premature translational stop signal (p.Ser733Argfs*10) in the PTPN23 gene. It is expected to result in an absent or disrupted protein product. Loss-of-function variants in PTPN23 are known to be pathogenic (PMID: 29090338, 29899372). This variant is not present in population databases (gnomAD no frequency). This variant has not been reported in the literature in individuals affected with PTPN23-related conditions. For these reasons, this variant has been classified as Pathogenic.

Literature cited by the submitters: PubMed 29090338; PubMed 29899372.

NM_015466.4(PTPN23):c.2199_2200del (p.Ser733fs)

Gene: PTPN23 (protein tyrosine phosphatase non-receptor type 23; plus strand). Cytogenetic location: 3p21.31.
Variant type: Deletion.
Coding change: c.2199_2200del on transcript NM_015466.4 (MANE Select); coding-DNA positions 2199 to 2200, 2 bases deleted (TG; older notation c.2199_2200delTG).
Protein change: p.Ser733fs; shifts the reading frame from serine 733.
Molecular consequence: frameshift variant.
Genome position (GRCh38, 1-based): chr3:47,409,997-47,409,998, TG deleted; deleting any 2 consecutive bases within chr3:47,409,996-47,409,998 gives the same sequence; the c. name uses the placement nearest the transcript's 3' end. VCF-style (leftmost placement, unchanged base first): chr3-47409995-AGT-A. GRCh37 (hg19) VCF-style: chr3-47451485-AGT-A.
Other names: c.1821_1822del, p.Ser607fs (NM_001304482.2); short protein forms S733fs, S607fs.
Identifiers: ClinVar variation 4712309 (VCV004712309.1).